The following is an entry in ClinVar:

ClinVar aggregate classification (germline): Uncertain significance (1 of 4 stars; one submission).

Conditions:
Bardet-Biedl syndrome (BBS). Identifiers: Orphanet 110, MedGen C0752166, MONDO:0015229.

Submission:

Labcorp Genetics (formerly Invitae), Labcorp
Classification: Uncertain significance for Bardet-Biedl syndrome. Last evaluated: 2021-01-08. Review status: criteria provided, single submitter. Criteria: Invitae Variant Classification Sherloc (09022015). Collection method: clinical testing. Allele origin: germline.
Comment: This sequence change falls in intron 11 of the BBS5 gene. It does not directly change the encoded amino acid sequence of the BBS5 protein. It affects a nucleotide within the consensus splice site of the intron. This variant is not present in population databases (ExAC no frequency). This variant has not been reported in the literature in individuals with BBS5-related conditions. Nucleotide substitutions within the consensus splice site are a relatively common cause of aberrant splicing (PMID: 17576681, 9536098). Algorithms developed to predict the effect of sequence changes on RNA splicing suggest that this variant may disrupt the consensus splice site, but this prediction has not been confirmed by published transcriptional studies. In summary, the available evidence is currently insufficient to determine the role of this variant in disease. Therefore, it has been classified as a Variant of Uncertain Significance.

Literature cited by the submitters: PubMed 17576681; PubMed 9536098.

NM_152384.3(BBS5):c.925-3A>G

Gene: BBS5 (Bardet-Biedl syndrome 5; plus strand). Cytogenetic location: 2q31.1.
Variant type: single nucleotide variant.
Coding change: c.925-3A>G on transcript NM_152384.3 (MANE Select); 3 bases into the intron before coding-DNA position 925, A replaced by G.
Molecular consequence: intron variant.
Genome position (GRCh38, 1-based): chr2:169,504,478, A>G. VCF-style: chr2-169504478-A-G. GRCh37 (hg19) VCF-style: chr2-170360988-A-G.
Identifiers: ClinVar variation 1464346 (VCV001464346.6), dbSNP rs2105304333, ClinGen allele CA2573133673.